The following is an entry in ClinVar:

ClinVar aggregate classification (germline): Uncertain significance (1 of 4 stars; one submission).

Conditions:
Acute infantile liver failure due to synthesis defect of mtDNA-encoded proteins. Also called: LIVER FAILURE, INFANTILE, TRANSIENT; TRMU Deficiency; Liver failure acute infantile. Identifiers: Orphanet 217371, MedGen C3278664, MONDO:0013111, OMIM 613070.

gnomAD v4.1: 2 of 1,613,970 alleles (0.00012%); no homozygotes.

Submission:

Myriad Genetics, Inc.
Classification: Uncertain significance for Acute infantile liver failure due to synthesis defect of mtDNA-encoded proteins. Last evaluated: 2026-03-12. Review status: criteria provided, single submitter. Criteria: Myriad Autosomal Dominant, Autosomal Recessive and X-Linked Classification Criteria (2023). Collection method: clinical testing. Allele origin: unknown.
Comment: NM_018006.4(TRMU):c.1081C>G(R361G) is a missense variant classified as a variant of uncertain significance in the context of acute liver failure, TRMU-related. R361G has been observed in a case with relevant disease (PMID: 32605348). Relevant functional assessments of this variant are not available in the literature. R361G has been observed in referenced population frequency databases. In summary, there is insufficient evidence to classify NM_018006.4(TRMU):c.1081C>G(R361G) as pathogenic or benign. Please note: this variant was assessed in the context of healthy population screening.

Literature cited by the submitters: PubMed 32605348.

NM_018006.5(TRMU):c.1081C>G (p.Arg361Gly)

Gene: TRMU (tRNA mitochondrial 2-thiouridylase; plus strand). Cytogenetic location: 22q13.31.
Variant type: single nucleotide variant.
Coding change: c.1081C>G on transcript NM_018006.5 (MANE Select); coding-DNA position 1081, C replaced by G.
Protein change: p.Arg361Gly; replaces arginine 361 with glycine.
Molecular consequence: missense variant. On other transcripts: non-coding transcript variant (2), intron variant (2).
Genome position (GRCh38, 1-based): chr22:46,356,052, C>G. VCF-style: chr22-46356052-C-G. GRCh37 (hg19) VCF-style: chr22-46751949-C-G.
Other names: c.739C>G, p.Arg247Gly (NM_001282782.2); c.661C>G, p.Arg221Gly (NM_001282783.2); c.1018+464C>G (NM_001282785.2); c.598+464C>G (NM_001282784.2); short protein forms R361G, R221G, R247G.
Identifiers: ClinVar variation 5003547 (VCV005003547.1).